The following is an entry in ClinVar:

NM_000276.4(OCRL):c.1713+3G>A

Gene: OCRL (OCRL inositol polyphosphate-5-phosphatase; plus strand). Cytogenetic location: Xq26.1.
Variant type: single nucleotide variant.
Coding change: c.1713+3G>A on transcript NM_000276.4 (MANE Select); 3 bases into the intron after coding-DNA position 1713, G replaced by A.
Molecular consequence: intron variant.
Genome position (GRCh38, 1-based): chrX:129,575,253, G>A. VCF-style: chrX-129575253-G-A. GRCh37 (hg19) VCF-style: chrX-128709230-G-A.
Other names: c.1716+3G>A (NM_001318784.2); c.1713+3G>A (NM_001587.4).
Identifiers: ClinVar variation 3598023 (VCV003598023.2).
Genomic context (GRCh38, chrX:129,575,253, plus strand): 5'-CATCATGGACAGAATGGAAAATGACTTCCTTCCTTCCTTAGAACTCAGCAGGAGGGAGGT[G>A]AGCAAAAATACATGATCTCCCTGTCTACTGCTCACTGTGGTTAGCACAGAAGAAACTGCT-3'

ClinVar aggregate classification (germline): Uncertain significance. Review status: criteria provided, multiple submitters, no conflicts (2 of 4 stars). 2 submissions from 2 submitters: Uncertain significance (2). Last evaluated 2025-12-24.

Conditions:
Lowe syndrome (OCRL). Also called: LOWE OCULOCEREBRORENAL SYNDROME; PHOSPHATIDYLINOSITOL 4,5-BISPHOSPHATE 5-PHOSPHATASE DEFICIENCY; Oculocerebrorenal Syndrome. Identifiers: Orphanet 534, MedGen C0028860, MONDO:0010645, OMIM 309000.
Dent disease type 2. Identifiers: Orphanet 1652, Orphanet 93623, MedGen C1845167, MONDO:0010359, OMIM 300555.

gnomAD v4.1: 19 of 1,107,148 alleles (0.0017%); highest among the groups gnomAD compares: Non-Finnish European, 0.00012%; no homozygotes.

Submissions (2):

Labcorp Genetics (formerly Invitae), Labcorp
Classification: Uncertain significance for Lowe syndrome. Last evaluated: 2025-12-24. Review status: criteria provided, single submitter. Criteria: Invitae Variant Classification Sherloc (09022015). Collection method: clinical testing. Allele origin: germline.
Comment: This sequence change falls in intron 16 of the OCRL gene. It does not directly change the encoded amino acid sequence of the OCRL protein. It affects a nucleotide within the consensus splice site. The frequency data for this variant in the population databases is considered unreliable, as metrics indicate poor data quality at this position in the gnomAD database. This variant has not been reported in the literature in individuals affected with OCRL-related conditions. ClinVar contains an entry for this variant (Variation ID: 3598023). Variants that disrupt the consensus splice site are a relatively common cause of aberrant splicing (PMID: 17576681, 9536098). Algorithms developed to predict the effect of sequence changes on RNA splicing suggest that this variant is not likely to affect RNA splicing. In summary, the available evidence is currently insufficient to determine the role of this variant in disease. Therefore, it has been classified as a Variant of Uncertain Significance.

Fulgent Genetics
Classification: Uncertain significance for Dent disease type 2; Lowe syndrome. Last evaluated: 2024-05-23. Review status: criteria provided, single submitter. Criteria: ACMG Guidelines, 2015. Collection method: clinical testing. Allele origin: germline.

Literature cited by the submitters: PubMed 17576681 (cited by Labcorp Genetics (formerly Invitae), Labcorp); PubMed 9536098 (cited by Labcorp Genetics (formerly Invitae), Labcorp).